The following is an entry in ClinVar:

NM_002834.5(PTPN11):c.1242G>T (p.Thr414=)

Gene: PTPN11 (protein tyrosine phosphatase non-receptor type 11; plus strand). Cytogenetic location: 12q24.13.
Variant type: single nucleotide variant.
Coding change: c.1242G>T on transcript NM_002834.5 (MANE Select); coding-DNA position 1242, G replaced by T.
Protein change: p.Thr414=; no amino-acid change (threonine 414 retained).
Molecular consequence: synonymous variant.
Genome position (GRCh38, 1-based): chr12:112,486,492, G>T. VCF-style: chr12-112486492-G-T. GRCh37 (hg19) VCF-style: chr12-112924296-G-T.
Other names: c.1254G>T, p.Thr418= (NM_001330437.2); c.1239G>T, p.Thr413= (NM_001374625.1); c.1242G>T, p.Thr414= (NM_080601.3); c.1242G>T (NM_002834.4).
Identifiers: ClinVar variation 1134665 (VCV001134665.13), dbSNP rs552394167, ClinGen allele CA6798755.
Genomic context (GRCh38, chr12:112,486,492, plus strand): 5'-GATTTATTTAATTCTTTTCTGGTTTTTCTTGGCTCTACTCCAGGGGAATACGGAGAGAAC[G>T]GTCTGGCAATACCACTTTCGGACCTGGCCGGACCACGGCGTGCCCAGCGACCCTGGGGGC-3'
Protein context (NP_002825.3, residues 404-424): SKVGQGNTER[Thr414=]VWQYHFRTWP

ClinVar aggregate classification (germline): Likely benign. Review status: criteria provided, multiple submitters, no conflicts (2 of 4 stars). 4 submissions from 4 submitters: Likely benign (4). Last evaluated 2025-12-23.

Conditions:
RASopathy. Also called: rasopathies; Noonan spectrum disorder. Identifiers: Orphanet 536391, MedGen C5555857, MONDO:0021060.
PTPN11-related disorder. Also called: PTPN11-Related Disorders.
Cardiovascular phenotype. Identifiers: MedGen CN230736.

gnomAD v4.1: 28 of 1,613,934 alleles (0.0017%); highest among the groups gnomAD compares: African/African-American, 0.004%; no homozygotes.

Submissions (4):

Labcorp Genetics (formerly Invitae), Labcorp
Classification: Likely benign for RASopathy. Last evaluated: 2025-12-23. Review status: criteria provided, single submitter. Criteria: Invitae Variant Classification Sherloc (09022015). Collection method: clinical testing. Allele origin: germline.

Molecular Diagnostic Laboratory for Inherited Cardiovascular Disease, Montreal Heart Institute
Classification: Likely benign. Last evaluated: 2025-04-09. Review status: criteria provided, single submitter. Criteria: ACMG Guidelines, 2015. Collection method: clinical testing. Allele origin: germline. Affected: no.

PreventionGenetics, part of Exact Sciences
Classification: Likely benign for PTPN11-related condition. Last evaluated: 2024-12-12. Review status: criteria provided, single submitter. Criteria: ACMG Guidelines, 2015. Collection method: clinical testing. Allele origin: germline.
Comment: This variant is classified as likely benign based on ACMG/AMP sequence variant interpretation guidelines (Richards et al. 2015 PMID: 25741868, with internal and published modifications).

Ambry Genetics
Classification: Likely benign for Cardiovascular phenotype. Last evaluated: 2022-10-21. Review status: criteria provided, single submitter. Criteria: Ambry Variant Classification Scheme 2023. Collection method: clinical testing. Allele origin: germline.